The following is an entry in ClinVar:

ClinVar aggregate classification (germline): Uncertain significance. Review status: criteria provided, multiple submitters, no conflicts (2 of 4 stars). 2 submissions from 2 submitters: Uncertain significance (2). Last evaluated 2021-10-05.

Conditions:
Cardiomyopathy (CMYO). Also called: Cardiomyopathies. Identifiers: Orphanet 167848, MedGen C0878544, MONDO:0004994, HP:0001638. Inheritance: Various modes of inheritance.

Submissions (2):

CHEO Genetics Diagnostic Laboratory, Children's Hospital of Eastern Ontario
Classification: Uncertain significance for Cardiomyopathy. Last evaluated: 2021-10-05. Review status: criteria provided, single submitter. Criteria: ACMG Guidelines, 2015. Collection method: clinical testing. Allele origin: germline.

Laboratory for Molecular Medicine, Mass General Brigham Personalized Medicine
Classification: Uncertain significance. Last evaluated: 2012-10-31. Review status: criteria provided, single submitter. Criteria: LMM Criteria. Collection method: clinical testing. Allele origin: germline. Observed: 1 variant allele.
Comment: Variant classified as Uncertain Significance - Favor Pathogenic. The Glu28Asp va riant in MYL2 has not been reported in the literature nor previously identified by our laboratory. This variant has also not been identified in large and broad European American and African American populations by the NHLBI Exome Sequencing Project. While this low frequency is consist ent with a disease-causing role, it is insufficient to establish this with confi dence. Glutamic acid (Glu) at position 28 is highly conserved in evolution and t he change to asparagine (Asp) was predicted to be pathogenic using a computation al tool, which was validated by our laboratory using a set of cardiomyopathy var iants with well-established clinical significance. This tool's pathogenic predic tion is estimated to be correct 94% of the time (Jordan 2011). This variant is m ore likely pathogenic but additional studies are needed to fully assess its clin ical significance.

NM_000432.4(MYL2):c.84A>T (p.Glu28Asp)

Genes: MYL2 (myosin light chain 2; minus strand), LOC114827850 (VISTA enhancer hs2149; plus strand). Cytogenetic location: 12q24.11.
Variant type: single nucleotide variant.
Coding change: c.84A>T on transcript NM_000432.4 (MANE Select); coding-DNA position 84, A replaced by T.
Protein change: p.Glu28Asp; replaces glutamic acid 28 with aspartic acid.
Molecular consequence: missense variant.
Genome position (GRCh38, 1-based): chr12:110,919,113, T>A on the plus strand (A>T on the coding strand, the complement: MYL2 is on the minus strand). VCF-style: chr12-110919113-T-A. GRCh37 (hg19) VCF-style: chr12-111356917-T-A.
Other names: short protein forms E28D.
Identifiers: ClinVar variation 43483 (VCV000043483.7), dbSNP rs397516410, ClinGen allele CA010541.